The following is an entry in ClinVar:

NM_198252.3(GSN):c.1085A>T (p.His362Leu)

Gene: GSN (gelsolin; plus strand). Cytogenetic location: 9q33.2.
Variant type: single nucleotide variant.
Coding change: c.1085A>T on transcript NM_198252.3 (MANE Select); coding-DNA position 1085, A replaced by T.
Protein change: p.His362Leu; replaces histidine 362 with leucine.
Molecular consequence: missense variant.
Genome position (GRCh38, 1-based): chr9:121,318,774, A>T. VCF-style: chr9-121318774-A-T. GRCh37 (hg19) VCF-style: chr9-124081052-A-T.
Other names: c.1238A>T, p.His413Leu (NM_000177.5); c.1085A>T, p.His362Leu (NM_001127662.2, NM_001127664.2, NM_001127665.2 and 10 more transcripts); c.1193A>T, p.His398Leu (NM_001127663.2); c.1118A>T, p.His373Leu (NM_001127666.2, NM_001127667.2, NM_001353063.2 and 13 more transcripts); c.1136A>T, p.His379Leu (NM_001258029.2); c.1109A>T, p.His370Leu (NM_001258030.2); c.1157A>T, p.His386Leu (NM_001353076.2); c.431A>T, p.His144Leu (NM_001353078.2); short protein forms H386L, H362L, H373L, H379L, H398L, H413L, H144L, H370L.
Identifiers: ClinVar variation 1915182 (VCV001915182.5), dbSNP rs1032894158, ClinGen allele CA374747620.

ClinVar aggregate classification (germline): Uncertain significance (1 of 4 stars; one submission).

Allele frequency attached by ClinVar (database versions not stated): gnomAD 0.00001.
gnomAD v4.1: 7 of 1,614,022 alleles (0.00043%); highest among the groups gnomAD compares: Non-Finnish European, 0.00059%; no homozygotes.

Submission:

Labcorp Genetics (formerly Invitae), Labcorp
Classification: Uncertain significance. Last evaluated: 2022-06-03. Review status: criteria provided, single submitter. Criteria: Invitae Variant Classification Sherloc (09022015). Collection method: clinical testing. Allele origin: germline.
Comment: This sequence change replaces histidine, which is basic and polar, with leucine, which is neutral and non-polar, at codon 413 of the GSN protein (p.His413Leu). In summary, the available evidence is currently insufficient to determine the role of this variant in disease. Therefore, it has been classified as a Variant of Uncertain Significance. Algorithms developed to predict the effect of missense changes on protein structure and function are either unavailable or do not agree on the potential impact of this missense change (SIFT: "Deleterious"; PolyPhen-2: "Benign"; Align-GVGD: "Class C0"). This variant has not been reported in the literature in individuals affected with GSN-related conditions. This variant is not present in population databases (gnomAD no frequency).